The following is an entry in ClinVar:

ClinVar aggregate classification (germline): Uncertain significance (1 of 4 stars; one submission).

Allele frequency attached by ClinVar (database versions not stated): gnomAD exomes 0.00001; ExAC 0.00004.
gnomAD v4.1: 20 of 1,613,564 alleles (0.0012%); highest among the groups gnomAD compares: South Asian, 0.022%; no homozygotes.

Submission:

Labcorp Genetics (formerly Invitae), Labcorp
Classification: Uncertain significance. Last evaluated: 2022-07-21. Review status: criteria provided, single submitter. Criteria: Invitae Variant Classification Sherloc (09022015). Collection method: clinical testing. Allele origin: germline.
Comment: This variant has not been reported in the literature in individuals affected with RTTN-related conditions. This variant is present in population databases (rs770202887, gnomAD 0.03%). This sequence change replaces asparagine, which is neutral and polar, with lysine, which is basic and polar, at codon 533 of the RTTN protein (p.Asn533Lys). Algorithms developed to predict the effect of missense changes on protein structure and function are either unavailable or do not agree on the potential impact of this missense change (SIFT: "Deleterious"; PolyPhen-2: "Benign"; Align-GVGD: "Class C0"). In summary, the available evidence is currently insufficient to determine the role of this variant in disease. Therefore, it has been classified as a Variant of Uncertain Significance.

NM_173630.4(RTTN):c.1599T>A (p.Asn533Lys)

Gene: RTTN (rotatin; minus strand). Cytogenetic location: 18q22.2.
Variant type: single nucleotide variant.
Coding change: c.1599T>A on transcript NM_173630.4 (MANE Select); coding-DNA position 1599, T replaced by A.
Protein change: p.Asn533Lys; replaces asparagine 533 with lysine.
Molecular consequence: missense variant. On other transcripts: 5 prime UTR variant (1).
Genome position (GRCh38, 1-based): chr18:70,168,945, A>T on the plus strand (T>A on the coding strand, the complement: RTTN is on the minus strand). VCF-style: chr18-70168945-A-T. GRCh37 (hg19) VCF-style: chr18-67836181-A-T.
Other names: c.-1049T>A (NM_001318520.2); short protein forms N533K.
Identifiers: ClinVar variation 2420980 (VCV002420980.6), dbSNP rs770202887, ClinGen allele CA8996139.